The following is an entry in ClinVar:

NM_001105206.3(LAMA4):c.1105C>T (p.Leu369Phe)

Gene: LAMA4 (laminin subunit alpha 4; minus strand). Cytogenetic location: 6q21.
Variant type: single nucleotide variant.
Coding change: c.1105C>T on transcript NM_001105206.3 (MANE Select); coding-DNA position 1105, C replaced by T.
Protein change: p.Leu369Phe; replaces leucine 369 with phenylalanine.
Molecular consequence: missense variant.
Genome position (GRCh38, 1-based): chr6:112,178,205, G>A on the plus strand (C>T on the coding strand, the complement: LAMA4 is on the minus strand). VCF-style: chr6-112178205-G-A. GRCh37 (hg19) VCF-style: chr6-112499407-G-A.
Other names: c.1084C>T, p.Leu362Phe (NM_001105207.3, NM_002290.5); short protein forms L369F, L362F.
Identifiers: ClinVar variation 4693391 (VCV004693391.1).

ClinVar aggregate classification (germline): Uncertain significance (1 of 4 stars; one submission).

Conditions:
Dilated cardiomyopathy 1JJ (CMD1JJ). Identifiers: Orphanet 154, MedGen C3808935, MONDO:0014095, OMIM 615235.

Submission:

Labcorp Genetics (formerly Invitae), Labcorp
Classification: Uncertain significance for Dilated cardiomyopathy 1JJ. Last evaluated: 2026-01-20. Review status: criteria provided, single submitter. Criteria: Invitae Variant Classification Sherloc (09022015). Collection method: clinical testing. Allele origin: germline.
Comment: This sequence change replaces leucine, which is neutral and non-polar, with phenylalanine, which is neutral and non-polar, at codon 362 of the LAMA4 protein (p.Leu362Phe). This variant is not present in population databases (gnomAD no frequency). This variant has not been reported in the literature in individuals affected with LAMA4-related conditions. Invitae Evidence Modeling of protein sequence and biophysical properties (such as structural, functional, and spatial information, amino acid conservation, physicochemical variation, residue mobility, and thermodynamic stability) indicates that this missense variant is not expected to disrupt LAMA4 protein function with a negative predictive value of 80%. In summary, the available evidence is currently insufficient to determine the role of this variant in disease. Therefore, it has been classified as a Variant of Uncertain Significance.